The following is an entry in ClinVar:

ClinVar aggregate classification (germline): Uncertain significance (1 of 4 stars; one submission).

Conditions:
CPLANE1-related disorder. Also called: CPLANE1-related condition.

gnomAD v4.1: 5 of 1,614,062 alleles (0.00031%); highest among the groups gnomAD compares: South Asian, 0.0011%; no homozygotes.

Submission:

Daryl Scott Lab, Baylor College of Medicine
Classification: Uncertain significance for CPLANE1-related disorder. Last evaluated: 2025-08-25. Review status: criteria provided, single submitter. Criteria: ACMG Guidelines, 2015. Collection method: clinical testing. Allele origin: paternal. Affected: yes. Observed: 1 heterozygote.
Comment: PM2

NM_001384732.1(CPLANE1):c.3619G>A (p.Val1207Ile)

Gene: CPLANE1 (ciliogenesis and planar polarity effector complex subunit 1; minus strand). Cytogenetic location: 5p13.2.
Variant type: single nucleotide variant.
Coding change: c.3619G>A on transcript NM_001384732.1 (MANE Select); coding-DNA position 3619, G replaced by A.
Protein change: p.Val1207Ile; replaces valine 1207 with isoleucine.
Molecular consequence: missense variant.
Genome position (GRCh38, 1-based): chr5:37,198,755, C>T on the plus strand (G>A on the coding strand, the complement: CPLANE1 is on the minus strand). VCF-style: chr5-37198755-C-T. GRCh37 (hg19) VCF-style: chr5-37198857-C-T.
Other names: c.3619G>A, p.Val1207Ile (NM_023073.4); short protein forms V1207I.
Identifiers: ClinVar variation 4533360 (VCV004533360.1).